The following is an entry in ClinVar:

ClinVar aggregate classification (germline): Uncertain significance (1 of 4 stars; one submission).

Conditions:
Inborn genetic diseases. Identifiers: MedGen C0950123, MeSH D030342.

Submission:

Ambry Genetics
Classification: Uncertain significance for Inborn genetic diseases. Last evaluated: 2023-01-05. Review status: criteria provided, single submitter. Criteria: Ambry Variant Classification Scheme 2023. Collection method: clinical testing. Allele origin: germline.
Comment: The p.G1021R variant (also known as c.3061G>A), located in coding exon 23 of the BUB1B gene, results from a G to A substitution at nucleotide position 3061. The glycine at codon 1021 is replaced by arginine, an amino acid with dissimilar properties. This amino acid position is conserved. In addition, this alteration is predicted to be tolerated by in silico analysis. Since supporting evidence is limited at this time, the clinical significance of this alteration remains unclear.

NM_001211.6(BUB1B):c.3061G>A (p.Gly1021Arg)

Genes: BUB1B (BUB1 mitotic checkpoint serine/threonine kinase B; plus strand), BUB1B-PAK6 (BUB1B-PAK6 readthrough; plus strand). Cytogenetic location: 15q15.1.
Variant type: single nucleotide variant.
Coding change: c.3061G>A on transcript NM_001211.6 (MANE Select); coding-DNA position 3061, G replaced by A.
Protein change: p.Gly1021Arg; replaces glycine 1021 with arginine.
Molecular consequence: missense variant. On other transcripts: intron variant (2).
Genome position (GRCh38, 1-based): chr15:40,220,667, G>A. VCF-style: chr15-40220667-G-A. GRCh37 (hg19) VCF-style: chr15-40512868-G-A.
Other names: c.-201+3000G>A (NM_001128628.3); c.-118+3000G>A (NM_001128629.3); short protein forms G1021R.
Identifiers: ClinVar variation 2497664 (VCV002497664.2), dbSNP rs2542594076, ClinGen allele CA391690041.
Genomic context (GRCh38, chr15:40,220,667, plus strand): 5'-CTGAATGCCAATGATGAGGCCACAGTGTCTGTTCTTGGGGAGCTTGCAGCAGAAATGAAT[G>A]GGGTTTTTGACACTACATTCCAAAGTCACCTGAACAAAGCCTTATGGAAGGTAGGGAAGT-3'
Protein context (NP_001202.5, residues 1011-1031): VLGELAAEMN[Gly1021Arg]VFDTTFQSHL